The following is an entry in ClinVar:

ClinVar aggregate classification (germline): Likely pathogenic (1 of 4 stars; one submission).

Submission:

Labcorp Genetics (formerly Invitae), Labcorp
Classification: Likely pathogenic. Last evaluated: 2023-03-06. Review status: criteria provided, single submitter. Criteria: Invitae Variant Classification Sherloc (09022015). Collection method: clinical testing. Allele origin: germline.
Comment: This sequence change replaces glycine, which is neutral and non-polar, with arginine, which is basic and polar, at codon 1661 of the COL7A1 protein (p.Gly1661Arg). This variant is not present in population databases (gnomAD no frequency). This missense change has been observed in individual(s) with autosomal recessive dystrophic epidermolysis bullosa (Invitae). Experimental studies and prediction algorithms are not available or were not evaluated, and the functional significance of this variant is currently unknown. Algorithms developed to predict the effect of sequence changes on RNA splicing suggest that this variant may disrupt the consensus splice site. This variant disrupts the triple helix domain of COL7A1. Glycine residues within the Gly-Xaa-Yaa repeats of the triple helix domain are required for the structure and stability of fibrillar collagens (PMID: 7695699, 8218237, 19344236), and variants at these glycine residues in COL7A1 are more frequently observed in individuals with disease than in the general population (PMID: 22058051). However, the clinical significance of this observation remains uncertain since only a limited number of affected individuals have been described to date. In summary, the currently available evidence indicates that the variant is pathogenic, but additional data are needed to prove that conclusively. Therefore, this variant has been classified as Likely Pathogenic.

Literature cited by the submitters: PubMed 7695699; PubMed 8218237; PubMed 19344236; PubMed 22058051.

NM_000094.4(COL7A1):c.4981G>C (p.Gly1661Arg)

Gene: COL7A1 (collagen type VII alpha 1 chain; minus strand). Cytogenetic location: 3p21.31.
Variant type: single nucleotide variant.
Coding change: c.4981G>C on transcript NM_000094.4 (MANE Select); coding-DNA position 4981, G replaced by C.
Protein change: p.Gly1661Arg; replaces glycine 1661 with arginine.
Molecular consequence: missense variant.
Genome position (GRCh38, 1-based): chr3:48,580,652, C>G on the plus strand (G>C on the coding strand, the complement: COL7A1 is on the minus strand). VCF-style: chr3-48580652-C-G. GRCh37 (hg19) VCF-style: chr3-48618085-C-G.
Other names: short protein forms G1661R.
Identifiers: ClinVar variation 2868565 (VCV002868565.3), dbSNP rs2531088120, ClinGen allele CA352680196.